The following is an entry in ClinVar:

NM_001145715.3(KPNA7):c.461A>T (p.Glu154Val)

Gene: KPNA7 (karyopherin subunit alpha 7; minus strand). Cytogenetic location: 7q22.1.
Variant type: single nucleotide variant.
Coding change: c.461A>T on transcript NM_001145715.3 (MANE Select); coding-DNA position 461, A replaced by T.
Protein change: p.Glu154Val; replaces glutamic acid 154 with valine.
Molecular consequence: missense variant.
Genome position (GRCh38, 1-based): chr7:99,195,162, T>A on the plus strand (A>T on the coding strand, the complement: KPNA7 is on the minus strand). VCF-style: chr7-99195162-T-A. GRCh37 (hg19) VCF-style: chr7-98792785-T-A.
Other names: short protein forms E154V.
Identifiers: ClinVar variation 409799 (VCV000409799.12), dbSNP rs200308603, ClinGen allele CA4363249.

ClinVar aggregate classification (germline): Uncertain significance. Review status: criteria provided, multiple submitters, no conflicts (2 of 4 stars). 3 submissions from 3 submitters: Uncertain significance (3). Last evaluated 2022-11-03.

Allele frequency attached by ClinVar (database versions not stated): TOPMed 0.00073; ExAC 0.00047; gnomAD 0.00069 and 0.00066; gnomAD exomes 0.00123 and 0.00049; ESP Exome Variant Server 0.00088.
gnomAD v4.1: 1,826 of 1,551,440 alleles (0.12%); highest among the groups gnomAD compares: Non-Finnish European, 0.15%; 3 homozygotes.

Submissions (4):

Labcorp Genetics (formerly Invitae), Labcorp
Classification: Uncertain significance. Last evaluated: 2022-11-03. Review status: criteria provided, single submitter. Criteria: Invitae Variant Classification Sherloc (09022015). Collection method: clinical testing. Allele origin: germline.
Comment: This sequence change replaces glutamic acid, which is acidic and polar, with valine, which is neutral and non-polar, at codon 154 of the KPNA7 protein (p.Glu154Val). This variant is present in population databases (rs200308603, gnomAD 0.1%), and has an allele count higher than expected for a pathogenic variant. This variant has not been reported in the literature in individuals affected with KPNA7-related conditions. ClinVar contains an entry for this variant (Variation ID: 409799). Advanced modeling of protein sequence and biophysical properties (such as structural, functional, and spatial information, amino acid conservation, physicochemical variation, residue mobility, and thermodynamic stability) performed at Invitae indicates that this missense variant is not expected to disrupt KPNA7 protein function. In summary, the available evidence is currently insufficient to determine the role of this variant in disease. Therefore, it has been classified as a Variant of Uncertain Significance.

Center for Genomics, Ann and Robert H. Lurie Children's Hospital of Chicago
Classification: Uncertain significance. Last evaluated: 2022-01-12. Review status: criteria provided, single submitter. Criteria: ACMG Guidelines, 2015. Collection method: clinical testing. Allele origin: germline.
Comment: This variant has not been reported in the literature but is present in 0.1% (84/68034) of European alleles in the Genome Aggregation Database. This variant is present in ClinVar (Variation ID:409799). Evolutionary conservation and computational predictive tools suggest that this variant may not impact the protein. In summary, data on this variant is insufficient for disease classification. Therefore, the clinical significance of this variant is uncertain.

Knight Diagnostic Laboratories, Oregon Health and Sciences University
Classification: Uncertain significance. Last evaluated: 2019-08-27. Review status: criteria provided, single submitter. Criteria: ACMG Guidelines, 2015. Collection method: clinical testing. Allele origin: germline. Observed: 1 variant allele.

Dr. Peter K. Rogan Lab, Western University
No classification provided (evidence only). Condition: Cholangiocarcinoma. Review status: no classification provided. Collection method: in vitro. Allele origin: not applicable. Functional consequence: retained intron. Not counted in ClinVar's aggregate classification.